The following is an entry in ClinVar:

ClinVar aggregate classification (germline): Likely pathogenic (1 of 4 stars; one submission).

Submission:

Genetic Services Laboratory, University of Chicago
Classification: Likely pathogenic. Last evaluated: 2023-07-19. Review status: criteria provided, single submitter. Criteria: ACMG Guidelines, 2015. Collection method: clinical testing. Allele origin: germline. Affected: yes.
Comment: DNA sequence analysis of the FIG4 gene demonstrated a sequence change, c.2179G>T, which results in the creation of a premature stop codon at amino acid position 727, p.Gly727*). This likely pathogenic sequence change is predicted to result in an abnormal transcript, which may be degraded, or may lead to the production of a truncated FIG4 protein with potentially abnormal function. This change does not appear to have been previously described in individuals with FIG4-related disorders and has also not been described in the population databases such as ExAC and gnomAD. Other loss-of-function variants in FIG4 have been described to be pathogenic (PMID: 23623387). Collectively, this evidence indicates that this sequence change is likely pathogenic.

NM_014845.6(FIG4):c.2179G>T (p.Gly727Ter)

Gene: FIG4 (FIG4 phosphoinositide 5-phosphatase; plus strand). Cytogenetic location: 6q21.
Variant type: single nucleotide variant.
Coding change: c.2179G>T on transcript NM_014845.6 (MANE Select); coding-DNA position 2179, G replaced by T.
Protein change: p.Gly727Ter; replaces glycine 727 with a stop codon.
Molecular consequence: nonsense.
Genome position (GRCh38, 1-based): chr6:109,789,676, G>T. VCF-style: chr6-109789676-G-T. GRCh37 (hg19) VCF-style: chr6-110110879-G-T.
Other names: short protein forms G727*.
Identifiers: ClinVar variation 4082437 (VCV004082437.2).